The following is an entry in ClinVar:

ClinVar aggregate classification (germline): Uncertain significance. Review status: criteria provided, multiple submitters, no conflicts (2 of 4 stars). 2 submissions from 2 submitters: Uncertain significance (2). Last evaluated 2026-05-21.

Conditions:
NRP1-related disorder. Also called: NRP1-related condition.

Allele frequency attached by ClinVar (database versions not stated): gnomAD 0.00001.
gnomAD v4.1: 13 of 1,613,866 alleles (0.00081%); highest among the groups gnomAD compares: Non-Finnish European, 0.0011%; no homozygotes.

Submissions (2):

PreventionGenetics, part of Exact Sciences
Classification: Uncertain significance for NRP1-related condition. Last evaluated: 2026-05-21. Review status: criteria provided, single submitter. Criteria: ACMG Guidelines, 2015. Collection method: clinical testing. Allele origin: germline.
Comment: The NRP1 c.1567G>A variant is predicted to result in the amino acid substitution p.Gly523Ser. To our knowledge, this variant has not been reported in the literature. This variant is reported in 0.0023% of alleles in individuals of European (Non-Finnish) descent in gnomAD. At this time, the clinical significance of this variant is uncertain due to the absence of conclusive functional and genetic evidence.

Ambry Genetics
Classification: Uncertain significance. Last evaluated: 2023-02-22. Review status: criteria provided, single submitter. Criteria: Ambry Variant Classification Scheme 2023. Collection method: clinical testing. Allele origin: germline.

NM_003873.7(NRP1):c.1567G>A (p.Gly523Ser)

Gene: NRP1 (neuropilin 1; minus strand). Cytogenetic location: 10p11.22.
Variant type: single nucleotide variant.
Coding change: c.1567G>A on transcript NM_003873.7 (MANE Select); coding-DNA position 1567, G replaced by A.
Protein change: p.Gly523Ser; replaces glycine 523 with serine.
Molecular consequence: missense variant. On other transcripts: non-coding transcript variant (1).
Genome position (GRCh38, 1-based): chr10:33,213,433, C>T on the plus strand (G>A on the coding strand, the complement: NRP1 is on the minus strand). VCF-style: chr10-33213433-C-T. GRCh37 (hg19) VCF-style: chr10-33502361-C-T.
Other names: c.1567G>A, p.Gly523Ser (NM_001024628.3, NM_001024629.3, NM_001244972.2 and 2 more transcripts); short protein forms G523S.
Identifiers: ClinVar variation 2487370 (VCV002487370.3), dbSNP rs1205457813, ClinGen allele CA376471235.